The following is an entry in ClinVar:

ClinVar aggregate classification (germline): Likely pathogenic. Review status: criteria provided, single submitter (1 of 4 stars). 2 submissions from 2 submitters: Likely pathogenic (1). 1 of the submissions does not count toward it. Last evaluated 2024-02-09.

Conditions:
Nemaline myopathy 2 (NEM2). Also called: Nemaline myopathy 2, autosomal recessive. Identifiers: MedGen C1850569, MONDO:0009725, OMIM 256030.

Submissions (2):

Labcorp Genetics (formerly Invitae), Labcorp
Classification: Likely pathogenic for Nemaline myopathy 2. Last evaluated: 2024-02-09. Review status: criteria provided, single submitter. Criteria: Invitae Variant Classification Sherloc (09022015). Collection method: clinical testing. Allele origin: germline.
Comment: This variant occurs in a region of NEB (Exons 82-105) consisting of three highly homologous 8-exon repeat units (exons 82-89, exons 90-97, exons 98-105). Sequence variants in this region can be detected, but this assay cannot determine which of the three repeat units is affected, and zygosity is often ambiguous. All variants in this region are reported relative to the exon 82-89 repeat. This sequence change affects a donor splice site in intron 88 of the NEB gene. It is expected to disrupt RNA splicing. Variants that disrupt the donor or acceptor splice site typically lead to a loss of protein function (PMID: 16199547), and loss-of-function variants in NEB are known to be pathogenic (PMID: 25205138). The frequency data for this variant in the population databases (gnomAD) is considered unreliable due to the presence of homologous sequence, such as pseudogenes or paralogs, in the genome. Disruption of this splice site has been observed in individual(s) with clinical features of NEB-related conditions (PMID: 33060286). ClinVar contains an entry for this variant (Variation ID: 642008). Algorithms developed to predict the effect of sequence changes on RNA splicing suggest that this variant may disrupt the consensus splice site. In summary, the currently available evidence indicates that the variant is pathogenic, but additional data are needed to prove that conclusively. Therefore, this variant has been classified as Likely Pathogenic.

Natera, Inc.
Classification: Likely pathogenic for Nemaline myopathy type 2. Last evaluated: 2020-09-16. Review status: no assertion criteria provided. Collection method: clinical testing. Allele origin: germline. Not counted in ClinVar's aggregate classification.

Literature cited by the submitters: PubMed 16199547 (cited by Labcorp Genetics (formerly Invitae), Labcorp); PubMed 25205138 (cited by Labcorp Genetics (formerly Invitae), Labcorp); PubMed 33060286 (cited by Labcorp Genetics (formerly Invitae), Labcorp).

NM_001164508.2(NEB):c.13476+1G>A

Gene: NEB (nebulin; minus strand). Cytogenetic location: 2q23.3.
Variant type: single nucleotide variant.
Coding change: c.13476+1G>A on transcript NM_001164508.2 (MANE Select); the canonical splice donor site of the intron after coding-DNA position 13476, G replaced by A.
Molecular consequence: splice donor variant. On other transcripts: intron variant (1).
Genome position (GRCh38, 1-based): chr2:151,601,900, C>T on the plus strand (G>A on the coding strand, the complement: NEB is on the minus strand). VCF-style: chr2-151601900-C-T. GRCh37 (hg19) VCF-style: chr2-152458414-C-T.
Other names: c.11601+7909G>A (NM_004543.5); c.13476+1G>A (NM_001164507.2, NM_001271208.2).
Identifiers: ClinVar variation 642008 (VCV000642008.13), dbSNP rs1578868550, ClinGen allele CA348769259.